The following is an entry in ClinVar:

ClinVar aggregate classification (germline): Uncertain significance (1 of 4 stars; one submission).

Conditions:
Cardiovascular phenotype. Identifiers: MedGen CN230736.

Submission:

Ambry Genetics
Classification: Uncertain significance for Cardiovascular phenotype. Last evaluated: 2025-05-27. Review status: criteria provided, single submitter. Criteria: Ambry Variant Classification Scheme 2023. Collection method: clinical testing. Allele origin: germline.
Comment: The p.S595T variant (also known as c.1784G>C), located in coding exon 11 of the PCSK9 gene, results from a G to C substitution at nucleotide position 1784. The serine at codon 595 is replaced by threonine, an amino acid with similar properties. This amino acid position is conserved. In addition, this alteration is predicted to be tolerated by in silico analysis. Based on the available evidence, the clinical significance of this variant remains unclear.

NM_174936.4(PCSK9):c.1784G>C (p.Ser595Thr)

Gene: PCSK9 (proprotein convertase subtilisin/kexin type 9; plus strand). Cytogenetic location: 1p32.3.
Variant type: single nucleotide variant.
Coding change: c.1784G>C on transcript NM_174936.4 (MANE Select); coding-DNA position 1784, G replaced by C.
Protein change: p.Ser595Thr; replaces serine 595 with threonine.
Molecular consequence: missense variant. On other transcripts: non-coding transcript variant (8).
Genome position (GRCh38, 1-based): chr1:55,061,477, G>C. VCF-style: chr1-55061477-G-C. GRCh37 (hg19) VCF-style: chr1-55527150-G-C.
Other names: c.1907G>C, p.Ser636Thr (NM_001407240.1); c.1826G>C, p.Ser609Thr (NM_001407241.1); c.1787G>C, p.Ser596Thr (NM_001407242.1); c.1727G>C, p.Ser576Thr (NM_001407243.1); c.1610G>C, p.Ser537Thr (NM_001407244.1); c.1592G>C, p.Ser531Thr (NM_001407245.1); c.1409G>C, p.Ser470Thr (NM_001407246.1); c.1283G>C, p.Ser428Thr (NM_001407247.1); short protein forms S470T, S531T, S596T, S428T, S537T, S576T, S636T, S595T.
Identifiers: ClinVar variation 3929794 (VCV003929794.1).